The following is an entry in ClinVar:

NM_000287.4(PEX6):c.998C>G (p.Thr333Ser)

Gene: PEX6 (peroxisomal biogenesis factor 6; minus strand). Cytogenetic location: 6p21.1.
Variant type: single nucleotide variant.
Coding change: c.998C>G on transcript NM_000287.4 (MANE Select); coding-DNA position 998, C replaced by G.
Protein change: p.Thr333Ser; replaces threonine 333 with serine.
Molecular consequence: missense variant. On other transcripts: non-coding transcript variant (1).
Genome position (GRCh38, 1-based): chr6:42,974,923, G>C on the plus strand (C>G on the coding strand, the complement: PEX6 is on the minus strand). VCF-style: chr6-42974923-G-C. GRCh37 (hg19) VCF-style: chr6-42942661-G-C.
Other names: c.734C>G, p.Thr245Ser (NM_001316313.2); short protein forms T333S, T245S.
Identifiers: ClinVar variation 2110960 (VCV002110960.4), dbSNP rs1770224953, ClinGen allele CA364159629.

ClinVar aggregate classification (germline): Uncertain significance (1 of 4 stars; one submission).

Conditions:
Peroxisome biogenesis disorder. Identifiers: Orphanet 79189, MedGen C1832200, MONDO:0019234. Disease mechanism: loss of function.

Submission:

Labcorp Genetics (formerly Invitae), Labcorp
Classification: Uncertain significance for Peroxisome biogenesis disorder. Last evaluated: 2024-05-22. Review status: criteria provided, single submitter. Criteria: Invitae Variant Classification Sherloc (09022015). Collection method: clinical testing. Allele origin: germline.
Comment: This sequence change replaces threonine, which is neutral and polar, with serine, which is neutral and polar, at codon 333 of the PEX6 protein (p.Thr333Ser). This variant is not present in population databases (gnomAD no frequency). This variant has not been reported in the literature in individuals affected with PEX6-related conditions. ClinVar contains an entry for this variant (Variation ID: 2110960). Advanced modeling of protein sequence and biophysical properties (such as structural, functional, and spatial information, amino acid conservation, physicochemical variation, residue mobility, and thermodynamic stability) performed at Invitae indicates that this missense variant is not expected to disrupt PEX6 protein function with a negative predictive value of 95%. In summary, the available evidence is currently insufficient to determine the role of this variant in disease. Therefore, it has been classified as a Variant of Uncertain Significance.